The following is an entry in ClinVar:

NM_000059.4(BRCA2):c.3175del (p.Lys1058_Leu1059insTer)

Gene: BRCA2 (BRCA2 DNA repair associated; plus strand). Cytogenetic location: 13q13.1.
Variant type: Deletion.
Coding change: c.3175del on transcript NM_000059.4 (MANE Select); coding-DNA position 3175, one base deleted (C; older notation c.3175delC).
Protein change: p.Lys1058_Leu1059insTer.
Molecular consequence: nonsense.
Genome position (GRCh38, 1-based): chr13:32,337,530, C deleted. VCF-style (leftmost placement, unchanged base first): chr13-32337529-AC-A. GRCh37 (hg19) VCF-style: chr13-32911666-AC-A.
Other names: c.3175delC (NM_000059.3).
Identifiers: ClinVar variation 254514 (VCV000254514.2), dbSNP rs886038084, ClinGen allele CA10586510.
Genomic context (GRCh38, chr13:32,337,529, plus strand): 5'-TCCTACTAGTTTAGCTTGTGTTGAAATTGTAAATACCTTGGCATTAGATAATCAAAAGAA[AC>A]TGAGCAAGCCTCAGTCAATTAATACTGTATCTGCACATTTACAGAGTAGTGTAGTTGTTT-3'

ClinVar aggregate classification (germline): Pathogenic (3 of 4 stars; one submission).

Conditions:
Breast-ovarian cancer, familial, susceptibility to, 2 (BROVCA2). Also called: BRCA2 Hereditary Breast and Ovarian Cancer. Identifiers: Orphanet 145, MedGen C2675520, MONDO:0012933, OMIM 612555. Disease mechanism: loss of function.

Submission:

Evidence-based Network for the Interpretation of Germline Mutant Alleles (ENIGMA)
Classification: Pathogenic for Breast-ovarian cancer, familial, susceptibility to, 2. Last evaluated: 2016-09-08. Review status: reviewed by expert panel. Criteria: ENIGMA BRCA1/2 Classification Criteria (2015). Collection method: curation. Allele origin: germline.
Comment: Variant allele predicted to encode a truncated non-functional protein.